The following is an entry in ClinVar:

ClinVar aggregate classification (germline): Uncertain significance (1 of 4 stars; one submission).

Conditions:
Autosomal recessive limb-girdle muscular dystrophy type 2J (LGMDR10). Also called: Limb-girdle muscular dystrophy, type 2J; MUSCULAR DYSTROPHY, LIMB-GIRDLE, AUTOSOMAL RECESSIVE 10. Identifiers: Orphanet 140922, MedGen C1837342, MONDO:0012127, OMIM 608807.
Dilated cardiomyopathy 1G (CMD1G). Identifiers: Orphanet 154, MedGen C1858763, MONDO:0011400, OMIM 604145.

Submission:

Labcorp Genetics (formerly Invitae), Labcorp
Classification: Uncertain significance for Dilated cardiomyopathy 1G; Autosomal recessive limb-girdle muscular dystrophy type 2J. Last evaluated: 2025-06-29. Review status: criteria provided, single submitter. Criteria: Invitae Variant Classification Sherloc (09022015). Collection method: clinical testing. Allele origin: germline.
Comment: This sequence change replaces alanine, which is neutral and non-polar, with glycine, which is neutral and non-polar, at codon 33714 of the TTN protein (p.Ala33714Gly). This variant is not present in population databases (gnomAD no frequency). This variant has not been reported in the literature in individuals affected with TTN-related conditions. Experimental studies and prediction algorithms are not available or were not evaluated, and the functional significance of this variant is currently unknown. This variant is located in the M band of TTN (PMID: 25589632). Non-truncating variants in this region may be relevant for neuromuscular disorders, but have not been definitively shown to cause cardiomyopathy (PMID: 23975875). In summary, the available evidence is currently insufficient to determine the role of this variant in disease. Therefore, it has been classified as a Variant of Uncertain Significance.

Literature cited by the submitters: PubMed 25589632; PubMed 23975875.

NM_001267550.2(TTN):c.101141C>G (p.Ala33714Gly)

Genes: TTN (titin; minus strand), TTN-AS1 (TTN antisense RNA 1; plus strand). Cytogenetic location: 2q31.2.
Variant type: single nucleotide variant.
Coding change: c.101141C>G on transcript NM_001267550.2 (MANE Select); coding-DNA position 101141, C replaced by G.
Protein change: p.Ala33714Gly; replaces alanine 33714 with glycine.
Molecular consequence: missense variant.
Genome position (GRCh38, 1-based): chr2:178,535,474, G>C on the plus strand (C>G on the coding strand, the complement: TTN is on the minus strand). VCF-style: chr2-178535474-G-C. GRCh37 (hg19) VCF-style: chr2-179400201-G-C.
Other names: c.96218C>G, p.Ala32073Gly (NM_001256850.1); c.73946C>G, p.Ala24649Gly (NM_003319.4); c.93437C>G, p.Ala31146Gly (NM_133378.4); c.74321C>G, p.Ala24774Gly (NM_133432.3); c.74522C>G, p.Ala24841Gly (NM_133437.4); short protein forms A24774G, A24841G, A32073G, A33714G, A24649G, A31146G.
Identifiers: ClinVar variation 4792528 (VCV004792528.1).